The following is an entry in ClinVar:

NM_000382.3(ALDH3A2):c.386-1G>A

Gene: ALDH3A2 (aldehyde dehydrogenase 3 family member A2; plus strand). Cytogenetic location: 17p11.2.
Variant type: single nucleotide variant.
Coding change: c.386-1G>A on transcript NM_000382.3 (MANE Select); the canonical splice acceptor site of the intron before coding-DNA position 386, G replaced by A.
Molecular consequence: splice acceptor variant.
Genome position (GRCh38, 1-based): chr17:19,652,546, G>A. VCF-style: chr17-19652546-G-A. GRCh37 (hg19) VCF-style: chr17-19555859-G-A.
Other names: c.-303-1G>A (NM_001369148.2); c.386-1G>A (NM_001369137.2, NM_001369138.2, NM_001369146.2 and 3 more transcripts).
Identifiers: ClinVar variation 1067023 (VCV001067023.5), dbSNP rs2152326727, ClinGen allele CA398702800.

ClinVar aggregate classification (germline): Likely pathogenic (1 of 4 stars; one submission).

Submission:

Labcorp Genetics (formerly Invitae), Labcorp
Classification: Likely pathogenic. Last evaluated: 2020-03-29. Review status: criteria provided, single submitter. Criteria: Invitae Variant Classification Sherloc (09022015). Collection method: clinical testing. Allele origin: germline.
Comment: In summary, the currently available evidence indicates that the variant is pathogenic, but additional data are needed to prove that conclusively. Therefore, this variant has been classified as Likely Pathogenic. Donor and acceptor splice site variants typically lead to a loss of protein function (PMID: 16199547), and loss-of-function variants in ALDH3A2 are known to be pathogenic (PMID: 10577908, 10854114). Algorithms developed to predict the effect of sequence changes on RNA splicing suggest that this variant may disrupt the consensus splice site, but this prediction has not been confirmed by published transcriptional studies. This variant has not been reported in the literature in individuals with ALDH3A2-related conditions. This variant is not present in population databases (ExAC no frequency). This sequence change affects an acceptor splice site in intron 2 of the ALDH3A2 gene. It is expected to disrupt RNA splicing and likely results in an absent or disrupted protein product.

Literature cited by the submitters: PubMed 16199547; PubMed 10577908; PubMed 10854114.